The following is an entry in ClinVar:

NM_199242.3(UNC13D):c.2364G>A (p.Glu788=)

Gene: UNC13D (unc-13 homolog D; minus strand). Cytogenetic location: 17q25.1.
Variant type: single nucleotide variant.
Coding change: c.2364G>A on transcript NM_199242.3 (MANE Select); coding-DNA position 2364, G replaced by A.
Protein change: p.Glu788=; no amino-acid change (glutamic acid 788 retained).
Molecular consequence: synonymous variant.
Genome position (GRCh38, 1-based): chr17:75,834,078, C>T on the plus strand (G>A on the coding strand, the complement: UNC13D is on the minus strand). VCF-style: chr17-75834078-C-T. GRCh37 (hg19) VCF-style: chr17-73830159-C-T.
Identifiers: ClinVar variation 3036488 (VCV003036488.2), dbSNP rs1343492074, ClinGen allele CA501843796.

ClinVar aggregate classification (germline): Likely benign (0 of 4 stars; one submission).

Conditions:
UNC13D-related disorder. Also called: UNC13D-related condition.

Allele frequency attached by ClinVar (database versions not stated): gnomAD exomes 0.00002.
gnomAD v4.1: 31 of 1,613,738 alleles (0.0019%); highest among the groups gnomAD compares: East Asian, 0.031%; no homozygotes.

Submission:

PreventionGenetics, part of Exact Sciences
Classification: Likely benign for UNC13D-related condition. Last evaluated: 2023-12-29. Review status: no assertion criteria provided. Collection method: clinical testing. Allele origin: germline.
Comment: This variant is classified as likely benign based on ACMG/AMP sequence variant interpretation guidelines (Richards et al. 2015 PMID: 25741868, with internal and published modifications).